The following is an entry in ClinVar:

ClinVar aggregate classification (germline): Pathogenic (1 of 4 stars; one submission).

Conditions:
Rhabdoid tumor predisposition syndrome 2 (RTPS2). Identifiers: Orphanet 231108, Orphanet 69077, MedGen C2750074, MONDO:0013224, OMIM 613325.

Submission:

Labcorp Genetics (formerly Invitae), Labcorp
Classification: Pathogenic for Rhabdoid tumor predisposition syndrome 2. Last evaluated: 2025-04-30. Review status: criteria provided, single submitter. Criteria: Invitae Variant Classification Sherloc (09022015). Collection method: clinical testing. Allele origin: germline.
Comment: This sequence change creates a premature translational stop signal (p.Glu1619*) in the SMARCA4 gene. It is expected to result in an absent or disrupted protein product. Loss-of-function variants in SMARCA4 are known to be pathogenic (PMID: 24658001, 24658002). This variant is not present in population databases (gnomAD no frequency). This variant has not been reported in the literature in individuals affected with SMARCA4-related conditions. For these reasons, this variant has been classified as Pathogenic.

Literature cited by the submitters: PubMed 24658001; PubMed 24658002.

NM_003072.5(SMARCA4):c.4759G>T (p.Glu1587Ter)

Gene: SMARCA4 (SWI/SNF related BAF chromatin remodeling complex subunit ATPase 4; plus strand). Cytogenetic location: 19p13.2.
Variant type: single nucleotide variant.
Coding change: c.4759G>T on transcript NM_003072.5 (MANE Select); coding-DNA position 4759, G replaced by T.
Protein change: p.Glu1587Ter; replaces glutamic acid 1587 with a stop codon.
Molecular consequence: nonsense. On other transcripts: non-coding transcript variant (1).
Genome position (GRCh38, 1-based): chr19:11,059,876, G>T. VCF-style: chr19-11059876-G-T. GRCh37 (hg19) VCF-style: chr19-11170552-G-T.
Other names: c.4759G>T, p.Glu1587Ter (NM_001128844.3); c.4669G>T, p.Glu1557Ter (NM_001128845.2); c.4666G>T, p.Glu1556Ter (NM_001128846.2); c.4660G>T, p.Glu1554Ter (NM_001128847.4, NM_001374457.1); c.4657G>T, p.Glu1553Ter (NM_001128848.2); c.4855G>T, p.Glu1619Ter (NM_001128849.3, NM_001387283.1); c.4756G>T, p.Glu1586Ter (NM_001411150.1); short protein forms E1557*, E1586*, E1619*, E1553*, E1587*, E1554*, E1556*.
Identifiers: ClinVar variation 4718642 (VCV004718642.1).